The following is an entry in ClinVar:

ClinVar aggregate classification (germline): Uncertain significance (1 of 4 stars; one submission).

Conditions:
Neurofibromatosis, type 1 (NF1). Also called: Neurofibromatosis, type I; NEUROFIBROMATOSIS, TYPE I, SOMATIC; Peripheral type neurofibromatosis; VON RECKLINGHAUSEN DISEASE. Identifiers: Orphanet 636, MedGen C0027831, MONDO:0018975, OMIM 162200. Disease mechanism: loss of function.

Submission:

Labcorp Genetics (formerly Invitae), Labcorp
Classification: Uncertain significance for Neurofibromatosis, type 1. Last evaluated: 2023-06-27. Review status: criteria provided, single submitter. Criteria: Invitae Variant Classification Sherloc (09022015). Collection method: clinical testing. Allele origin: germline.
Comment: In summary, the available evidence is currently insufficient to determine the role of this variant in disease. Therefore, it has been classified as a Variant of Uncertain Significance. Advanced modeling of protein sequence and biophysical properties (such as structural, functional, and spatial information, amino acid conservation, physicochemical variation, residue mobility, and thermodynamic stability) performed at Invitae indicates that this missense variant is not expected to disrupt NF1 protein function. This variant has not been reported in the literature in individuals affected with NF1-related conditions. This variant is not present in population databases (gnomAD no frequency). This sequence change replaces histidine, which is basic and polar, with glutamine, which is neutral and polar, at codon 393 of the NF1 protein (p.His393Gln).

NM_001042492.3(NF1):c.1179C>A (p.His393Gln)

Gene: NF1 (neurofibromin 1; plus strand). Cytogenetic location: 17q11.2.
Variant type: single nucleotide variant.
Coding change: c.1179C>A on transcript NM_001042492.3 (MANE Select); coding-DNA position 1179, C replaced by A.
Protein change: p.His393Gln; replaces histidine 393 with glutamine.
Molecular consequence: missense variant.
Genome position (GRCh38, 1-based): chr17:31,201,153, C>A. VCF-style: chr17-31201153-C-A. GRCh37 (hg19) VCF-style: chr17-29528171-C-A.
Other names: c.1179C>A, p.His393Gln (NM_000267.4, NM_001128147.3); short protein forms H393Q.
Identifiers: ClinVar variation 2729754 (VCV002729754.3), dbSNP rs2544797498, ClinGen allele CA398997326.